The following is an entry in ClinVar:

NM_199420.4(POLQ):c.3161G>A (p.Ser1054Asn)

Gene: POLQ (DNA polymerase theta; minus strand). Cytogenetic location: 3q13.33.
Variant type: single nucleotide variant.
Coding change: c.3161G>A on transcript NM_199420.4 (MANE Select); coding-DNA position 3161, G replaced by A.
Protein change: p.Ser1054Asn; replaces serine 1054 with asparagine.
Molecular consequence: missense variant.
Genome position (GRCh38, 1-based): chr3:121,489,770, C>T on the plus strand (G>A on the coding strand, the complement: POLQ is on the minus strand). VCF-style: chr3-121489770-C-T. GRCh37 (hg19) VCF-style: chr3-121208617-C-T.
Other names: short protein forms S1054N.
Identifiers: ClinVar variation 1728315 (VCV001728315.3), dbSNP rs528925850, ClinGen allele CA2563113.

ClinVar aggregate classification (germline): Uncertain significance (1 of 4 stars; one submission).

Allele frequency attached by ClinVar (database versions not stated): gnomAD 0.00003; gnomAD exomes 0.00005; ExAC 0.00014; 1000 Genomes Project 30x 0.00016; 1000 Genomes Project 0.00020.
gnomAD v4.1: 74 of 1,612,364 alleles (0.0046%); highest among the groups gnomAD compares: South Asian, 0.081%; 1 homozygote.

Submission:

Ambry Genetics
Classification: Uncertain significance. Last evaluated: 2024-10-11. Review status: criteria provided, single submitter. Criteria: Ambry Variant Classification Scheme 2023. Collection method: clinical testing. Allele origin: germline.
Comment: The p.S1054N variant (also known as c.3161G>A), located in coding exon 16 of the POLQ gene, results from a G to A substitution at nucleotide position 3161. The serine at codon 1054 is replaced by asparagine, an amino acid with highly similar properties. This amino acid position is conserved. In addition, this alteration is predicted to be tolerated by in silico analysis. Since supporting evidence is limited at this time, the clinical significance of this alteration remains unclear.